The following is an entry in ClinVar:

NM_001166108.2(PALLD):c.458A>G (p.Lys153Arg)

Gene: PALLD (palladin, cytoskeletal associated protein; plus strand). Cytogenetic location: 4q32.3.
Variant type: single nucleotide variant.
Coding change: c.458A>G on transcript NM_001166108.2 (MANE Select); coding-DNA position 458, A replaced by G.
Protein change: p.Lys153Arg; replaces lysine 153 with arginine.
Molecular consequence: missense variant.
Genome position (GRCh38, 1-based): chr4:168,511,962, A>G. VCF-style: chr4-168511962-A-G. GRCh37 (hg19) VCF-style: chr4-169433113-A-G.
Other names: c.458A>G, p.Lys153Arg (NM_016081.4); short protein forms K153R.
Identifiers: ClinVar variation 3304060 (VCV003304060.1).

ClinVar aggregate classification (germline): Uncertain significance (1 of 4 stars; one submission).

gnomAD v4.1: 1 of 1,614,226 alleles (0.000062%); highest among the groups gnomAD compares: African/African-American, 0.0013%; no homozygotes.

Submission:

Ambry Genetics
Classification: Uncertain significance. Last evaluated: 2024-04-16. Review status: criteria provided, single submitter. Criteria: Ambry Variant Classification Scheme 2023. Collection method: clinical testing. Allele origin: germline.
Comment: The p.K153R variant (also known as c.458A>G), located in coding exon 1 of the PALLD gene, results from an A to G substitution at nucleotide position 458. The lysine at codon 153 is replaced by arginine, an amino acid with highly similar properties. This amino acid position is conserved. In addition, this alteration is predicted to be tolerated by in silico analysis. Based on the available evidence, the clinical significance of this variant remains unclear.